The following is an entry in ClinVar:

ClinVar aggregate classification (germline): Uncertain significance (1 of 4 stars; one submission).

Submission:

GeneDx
Classification: Uncertain significance. Last evaluated: 2024-03-08. Review status: criteria provided, single submitter. Criteria: GeneDx Variant Classification Process June 2021. Collection method: clinical testing. Allele origin: germline. Affected: yes.
Comment: In-frame deletion of 1 amino acid in a non-repeat region; Not observed at significant frequency in large population cohorts (gnomAD); In silico analysis supports a deleterious effect on protein structure/function; Has not been previously published as pathogenic or benign to our knowledge

NM_004568.6(SERPINB6):c.1012ATG[2] (p.Met340del)

Gene: SERPINB6 (serpin family B member 6; minus strand). Cytogenetic location: 6p25.2.
Variant type: Microsatellite.
Coding change: c.1012ATG[2] on transcript NM_004568.6 (MANE Select); two copies in a row of the 3-base unit ATG starting at c.1012; the reference has three copies in a row; one copy, 3 bases deleted.
Protein change: p.Met340del; deletes methionine 340.
Molecular consequence: inframe deletion. On other transcripts: non-coding transcript variant (1).
Genome position (GRCh38, 1-based): chr6:2,948,409-2,948,411, CAT deleted on the plus strand (ATG on the coding strand, the reverse complement: SERPINB6 is on the minus strand); deleting any 3 consecutive bases within chr6:2,948,409-2,948,417 gives the same sequence; the position shown is the placement nearest the transcript's 3' end. VCF-style (leftmost placement, unchanged base first): chr6-2948408-GCAT-G. GRCh37 (hg19) VCF-style: chr6-2948642-GCAT-G.
Other names: c.1024ATG[2], p.Met344del (NM_001195291.3, NM_001374515.1); c.1054ATG[2], p.Met354del (NM_001271822.2); c.1069ATG[2], p.Met359del (NM_001271823.2); c.1012ATG[2], p.Met340del (NM_001271824.2, NM_001271825.2, NM_001297699.2 and 2 more transcripts); c.880ATG[2], p.Met296del (NM_001374517.1); short protein forms M296del, M340del, M344del, M354del, M359del.
Identifiers: ClinVar variation 3342388 (VCV003342388.1).